The following is an entry in ClinVar:

ClinVar aggregate classification (germline): Uncertain significance (1 of 4 stars; one submission).

Submission:

Labcorp Genetics (formerly Invitae), Labcorp
Classification: Uncertain significance. Last evaluated: 2021-10-22. Review status: criteria provided, single submitter. Criteria: Invitae Variant Classification Sherloc (09022015). Collection method: clinical testing. Allele origin: germline.
Comment: This sequence change replaces lysine with arginine at codon 1565 of the ABCA3 protein (p.Lys1565Arg). The lysine residue is highly conserved and there is a small physicochemical difference between lysine and arginine. This variant is not present in population databases (ExAC no frequency). This variant has not been reported in the literature in individuals affected with ABCA3-related conditions. Algorithms developed to predict the effect of missense changes on protein structure and function (SIFT, PolyPhen-2, Align-GVGD) all suggest that this variant is likely to be tolerated. In summary, the available evidence is currently insufficient to determine the role of this variant in disease. Therefore, it has been classified as a Variant of Uncertain Significance.

NM_001089.3(ABCA3):c.4694A>G (p.Lys1565Arg)

Gene: ABCA3 (ATP binding cassette subfamily A member 3; minus strand). Cytogenetic location: 16p13.3.
Variant type: single nucleotide variant.
Coding change: c.4694A>G on transcript NM_001089.3 (MANE Select); coding-DNA position 4694, A replaced by G.
Protein change: p.Lys1565Arg; replaces lysine 1565 with arginine.
Molecular consequence: missense variant.
Genome position (GRCh38, 1-based): chr16:2,278,312, T>C on the plus strand (A>G on the coding strand, the complement: ABCA3 is on the minus strand). VCF-style: chr16-2278312-T-C. GRCh37 (hg19) VCF-style: chr16-2328313-T-C.
Other names: short protein forms K1565R.
Identifiers: ClinVar variation 1388545 (VCV001388545.3), dbSNP rs2141688001, ClinGen allele CA394305536.